The following is an entry in ClinVar:

NM_080669.6(SLC46A1):c.37G>C (p.Ala13Pro)

Genes: SLC46A1 (solute carrier family 46 member 1; minus strand), LOC130060550 (ATAC-STARR-seq lymphoblastoid silent region 8340; plus strand). Cytogenetic location: 17q11.2.
Variant type: single nucleotide variant.
Coding change: c.37G>C on transcript NM_080669.6 (MANE Select); coding-DNA position 37, G replaced by C.
Protein change: p.Ala13Pro; replaces alanine 13 with proline.
Molecular consequence: missense variant.
Genome position (GRCh38, 1-based): chr17:28,406,078, C>G on the plus strand (G>C on the coding strand, the complement: SLC46A1 is on the minus strand). VCF-style: chr17-28406078-C-G. GRCh37 (hg19) VCF-style: chr17-26733096-C-G.
Other names: c.37G>C, p.Ala13Pro (NM_001242366.3); short protein forms A13P.
Identifiers: ClinVar variation 1462338 (VCV001462338.6), dbSNP rs1328516882, ClinGen allele CA398354942.

ClinVar aggregate classification (germline): Uncertain significance (1 of 4 stars; one submission).

Submission:

Labcorp Genetics (formerly Invitae), Labcorp
Classification: Uncertain significance. Last evaluated: 2021-09-10. Review status: criteria provided, single submitter. Criteria: Invitae Variant Classification Sherloc (09022015). Collection method: clinical testing. Allele origin: germline.
Comment: This sequence change replaces alanine with proline at codon 13 of the SLC46A1 protein (p.Ala13Pro). The alanine residue is weakly conserved and there is a small physicochemical difference between alanine and proline. Experimental studies and prediction algorithms are not available or were not evaluated, and the functional significance of this variant is currently unknown. This variant is not present in population databases (ExAC no frequency). This variant has not been reported in the literature in individuals affected with SLC46A1-related conditions. In summary, the available evidence is currently insufficient to determine the role of this variant in disease. Therefore, it has been classified as a Variant of Uncertain Significance.